The following is an entry in ClinVar:

NM_001414.4(EIF2B1):c.680A>G (p.Tyr227Cys)

Gene: EIF2B1 (eukaryotic translation initiation factor 2B subunit alpha; minus strand). Cytogenetic location: 12q24.31.
Variant type: single nucleotide variant.
Coding change: c.680A>G on transcript NM_001414.4 (MANE Select); coding-DNA position 680, A replaced by G.
Protein change: p.Tyr227Cys; replaces tyrosine 227 with cysteine.
Molecular consequence: missense variant.
Genome position (GRCh38, 1-based): chr12:123,622,709, T>C on the plus strand (A>G on the coding strand, the complement: EIF2B1 is on the minus strand). VCF-style: chr12-123622709-T-C. GRCh37 (hg19) VCF-style: chr12-124107256-T-C.
Other names: short protein forms Y227C.
Identifiers: ClinVar variation 1906761 (VCV001906761.26), dbSNP rs572003325, ClinGen allele CA6859980.
Genomic context (GRCh38, chr12:123,622,709, plus strand): 5'-GGGACGTCTTGCTGGTTTAGTGGAAAGAGCCGGACAAACTTGAAACTTTCTGCAACCACA[T>C]AGAAAGGTTTGTTCTGTGCTTTGGCACACACAGCCATCTGGTTGGTTCCAATCTGGGAAG-3'
Protein context (NP_001405.1, residues 217-237): VCAKAQNKPF[Tyr227Cys]VVAESFKFVR

ClinVar aggregate classification (germline): Uncertain significance. Review status: criteria provided, multiple submitters, no conflicts (2 of 4 stars). 3 submissions from 3 submitters: Uncertain significance (3). Last evaluated 2023-11-01.

Conditions:
Inborn genetic diseases. Identifiers: MedGen C0950123, MeSH D030342.

Allele frequency attached by ClinVar (database versions not stated): gnomAD exomes 0.00001; TOPMed 0.00001; ExAC 0.00002; gnomAD 0.00003; 1000 Genomes Project 30x 0.00016; 1000 Genomes Project 0.00020.

Submissions (3):

CeGaT Center for Human Genetics Tuebingen
Classification: Uncertain significance. Last evaluated: 2023-11-01. Review status: criteria provided, single submitter. Criteria: CeGaT Center For Human Genetics Tuebingen Variant Classification Criteria Version 2. Collection method: clinical testing. Allele origin: germline. Affected: yes. Observed: 1 variant allele.
Comment: EIF2B1: PM2, PP3

Labcorp Genetics (formerly Invitae), Labcorp
Classification: Uncertain significance. Last evaluated: 2022-03-29. Review status: criteria provided, single submitter. Criteria: Invitae Variant Classification Sherloc (09022015). Collection method: clinical testing. Allele origin: germline.
Comment: This sequence change replaces tyrosine, which is neutral and polar, with cysteine, which is neutral and slightly polar, at codon 227 of the EIF2B1 protein (p.Tyr227Cys). This variant is present in population databases (rs572003325, gnomAD 0.003%). This variant has not been reported in the literature in individuals affected with EIF2B1-related conditions. Algorithms developed to predict the effect of missense changes on protein structure and function (SIFT, PolyPhen-2, Align-GVGD) all suggest that this variant is likely to be disruptive. In summary, the available evidence is currently insufficient to determine the role of this variant in disease. Therefore, it has been classified as a Variant of Uncertain Significance.

Ambry Genetics
Classification: Uncertain significance for Inborn genetic diseases. Last evaluated: 2021-07-19. Review status: criteria provided, single submitter. Criteria: Ambry Variant Classification Scheme 2023. Collection method: clinical testing. Allele origin: germline.